The following is an entry in ClinVar:

ClinVar aggregate classification (germline): Pathogenic (1 of 4 stars; one submission).

Submission:

Labcorp Genetics (formerly Invitae), Labcorp
Classification: Pathogenic. Last evaluated: 2023-06-20. Review status: criteria provided, single submitter. Criteria: Invitae Variant Classification Sherloc (09022015). Collection method: clinical testing. Allele origin: germline.
Comment: For these reasons, this variant has been classified as Pathogenic. This sequence change creates a premature translational stop signal (p.Ile652Thrfs*39) in the COL7A1 gene. It is expected to result in an absent or disrupted protein product. Loss-of-function variants in COL7A1 are known to be pathogenic (PMID: 16971478). This variant is not present in population databases (gnomAD no frequency). This variant has not been reported in the literature in individuals affected with COL7A1-related conditions. ClinVar contains an entry for this variant (Variation ID: 841373).

Literature cited by the submitters: PubMed 16971478.

NM_000094.4(COL7A1):c.1953_1954dup (p.Ile652fs)

Gene: COL7A1 (collagen type VII alpha 1 chain; minus strand). Cytogenetic location: 3p21.31.
Variant type: Duplication.
Coding change: c.1953_1954dup on transcript NM_000094.4 (MANE Select); coding-DNA positions 1953 to 1954, 2 bases duplicated (CA; older notation c.1953_1954dupCA).
Protein change: p.Ile652fs; shifts the reading frame from isoleucine 652.
Molecular consequence: frameshift variant.
Genome position (GRCh38, 1-based): chr3:48,590,309-48,590,310, TG duplicated on the plus strand (CA on the coding strand, the reverse complement: COL7A1 is on the minus strand); duplicating any 2 consecutive bases within chr3:48,590,309-48,590,311 gives the same sequence; the c. name uses the placement nearest the transcript's 3' end. VCF-style (leftmost placement, unchanged base first): chr3-48590308-A-ATG. GRCh37 (hg19) VCF-style: chr3-48627741-A-ATG.
Other names: short protein forms I652fs.
Identifiers: ClinVar variation 841373 (VCV000841373.6), dbSNP rs2045600633, ClinGen allele CA916080329.